The following is an entry in ClinVar:

ClinVar aggregate classification (germline): Uncertain significance (1 of 4 stars; one submission).

Conditions:
Hereditary factor VIII deficiency disease (HEMA). Also called: HEMOPHILIA, CLASSIC; AUTOSOMAL HEMOPHILIA A; Hemophilia A; Hemophilia A, congenital; HEM A; Factor 8 deficiency, congenital. Identifiers: Orphanet 98878, MedGen C0019069, MONDO:0010602, OMIM 306700.

Submissions (2):

Juno Genomics, Hangzhou Juno Genomics, Inc
Classification: Uncertain significance for Hereditary factor VIII deficiency disease. Review status: criteria provided, single submitter. Criteria: ACMG Guidelines, 2015. Collection method: clinical testing. Allele origin: germline. Affected: yes.
Comment: Absent from controls (or at extremely low frequency if recessive) in Genome Aggregation Database, Exome Sequencing Project, 1000 Genomes Project, or Exome Aggregation Consortium.;Multiple lines of computational evidence support a deleterious effect on the gene or gene product (conservation, evolutionary, splicing impact, etc).

Dr. Peter K. Rogan Lab, Western University
No classification provided (evidence only). Condition: Nonpapillary renal cell carcinoma. Review status: no classification provided. Collection method: in vitro. Allele origin: not applicable. Functional consequence: retained intron. Not counted in ClinVar's aggregate classification.

NM_000132.4(F8):c.787G>A (p.Gly263Ser)

Gene: F8 (coagulation factor VIII; minus strand). Cytogenetic location: Xq28.
Variant type: single nucleotide variant.
Coding change: c.787G>A on transcript NM_000132.4 (MANE Select); coding-DNA position 787, G replaced by A.
Protein change: p.Gly263Ser; replaces glycine 263 with serine.
Molecular consequence: missense variant.
Genome position (GRCh38, 1-based): chrX:154,984,687, C>T on the plus strand (G>A on the coding strand, the complement: F8 is on the minus strand). VCF-style: chrX-154984687-C-T. GRCh37 (hg19) VCF-style: chrX-154212962-C-T.
Other names: NC_000023.10:g.154212962C>T; short protein forms G263S.
Identifiers: ClinVar variation 3382038 (VCV003382038.3).
Genomic context (GRCh38, chrX:154,984,687, plus strand): 5'-ACAGAACTCTGGTGCTGAATTTGGAAGACCCTGAGGATTGTTGAGCAGGTGTGTACATAC[C>T]TGGCAGAGACCTGTTTACATAACCATTGACTGTGTGCATTTTAGGCCAGGCCCGAGCAGA-3'
Protein context (NP_000123.1, residues 253-273): VNGYVNRSLP[Gly263Ser]LIGCHRKSVY